The following is an entry in ClinVar:

NM_024312.5(GNPTAB):c.3089T>C (p.Ile1030Thr)

Gene: GNPTAB (N-acetylglucosamine-1-phosphate transferase subunits alpha and beta; minus strand). Cytogenetic location: 12q23.2.
Variant type: single nucleotide variant.
Coding change: c.3089T>C on transcript NM_024312.5 (MANE Select); coding-DNA position 3089, T replaced by C.
Protein change: p.Ile1030Thr; replaces isoleucine 1030 with threonine.
Molecular consequence: missense variant.
Genome position (GRCh38, 1-based): chr12:101,761,173, A>G on the plus strand (T>C on the coding strand, the complement: GNPTAB is on the minus strand). VCF-style: chr12-101761173-A-G. GRCh37 (hg19) VCF-style: chr12-102154951-A-G.
Other names: short protein forms I1030T.
Identifiers: ClinVar variation 1520775 (VCV001520775.8), dbSNP rs752836561, ClinGen allele CA6746273.

ClinVar aggregate classification (germline): Uncertain significance (1 of 4 stars; one submission).

Conditions:
Pseudo-Hurler polydystrophy. Also called: ML III; ML III ALPHA/BETA; Type III Mucolipidosis; ML IIIA; Mucolipidosis III Alpha/Beta; MUCOLIPIDOSIS IIIA. Identifiers: Orphanet 423461, Orphanet 577, MedGen C0033788, MONDO:0018931, OMIM 252600.
Mucolipidosis type II. Also called: ML II ALPHA/BETA; Mucolipidosis 2; ML 2; Inclusion cell disease; Leroy Disease; N-acetylglucosamine 1phosphotransferase deficiency. Identifiers: Orphanet 576, MedGen C2673377, MONDO:0009650, OMIM 252500.

Allele frequency attached by ClinVar (database versions not stated): gnomAD exomes 0.00001 and below 0.00001; ExAC 0.00002.
gnomAD v4.1: 3 of 1,614,180 alleles (0.00019%); highest among the groups gnomAD compares: Admixed American, 0.0033%; no homozygotes.

Submission:

Labcorp Genetics (formerly Invitae), Labcorp
Classification: Uncertain significance for Pseudo-Hurler polydystrophy; Mucolipidosis type II. Last evaluated: 2022-03-02. Review status: criteria provided, single submitter. Criteria: Invitae Variant Classification Sherloc (09022015). Collection method: clinical testing. Allele origin: germline.
Comment: Advanced modeling of protein sequence and biophysical properties (such as structural, functional, and spatial information, amino acid conservation, physicochemical variation, residue mobility, and thermodynamic stability) performed at Invitae indicates that this missense variant is expected to disrupt GNPTAB protein function. In summary, the available evidence is currently insufficient to determine the role of this variant in disease. Therefore, it has been classified as a Variant of Uncertain Significance. This variant has not been reported in the literature in individuals affected with GNPTAB-related conditions. This variant is present in population databases (rs752836561, gnomAD 0.006%). This sequence change replaces isoleucine, which is neutral and non-polar, with threonine, which is neutral and polar, at codon 1030 of the GNPTAB protein (p.Ile1030Thr).